The following is an entry in ClinVar:

ClinVar aggregate classification (germline): Uncertain significance (1 of 4 stars; one submission).

Conditions:
Congenital myasthenic syndrome 20. Also called: Myasthenic syndrome, congenital, 20, presynaptic. Identifiers: MedGen C4310694, MONDO:0014939, OMIM 617143.
Neuronopathy, distal hereditary motor, type 7A. Also called: Neuronopathy, distal hereditary motor, type viia; NEURONOPATHY, DISTAL HEREDITARY MOTOR, HARDING TYPE VIIA; NEUROPATHY, DISTAL HEREDITARY MOTOR, HARDING TYPE VIIA; Neuronopathy, distal hereditary motor, autosomal dominant 7; HARPER-YOUNG MYOPATHY; HMN VIIA. Identifiers: Orphanet 139589, MedGen C1834703, MONDO:0008024, OMIM 158580.

Submission:

Labcorp Genetics (formerly Invitae), Labcorp
Classification: Uncertain significance for Neuronopathy, distal hereditary motor, type 7A; Congenital myasthenic syndrome 20. Last evaluated: 2025-10-12. Review status: criteria provided, single submitter. Criteria: Invitae Variant Classification Sherloc (09022015). Collection method: clinical testing. Allele origin: germline.
Comment: This sequence change affects codon 371 of the SLC5A7 mRNA. It is a 'silent' change, meaning that it does not change the encoded amino acid sequence of the SLC5A7 protein. It affects a nucleotide within the consensus splice site. This variant is not present in population databases (gnomAD no frequency). This variant has not been reported in the literature in individuals affected with SLC5A7-related conditions. Algorithms developed to predict the effect of sequence changes on RNA splicing suggest that this variant is not likely to affect RNA splicing. In summary, the available evidence is currently insufficient to determine the role of this variant in disease. Therefore, it has been classified as a Variant of Uncertain Significance.

NM_021815.5(SLC5A7):c.1113T>C (p.Asn371=)

Gene: SLC5A7 (solute carrier family 5 member 7; plus strand). Cytogenetic location: 2q12.3.
Variant type: single nucleotide variant.
Coding change: c.1113T>C on transcript NM_021815.5 (MANE Select); coding-DNA position 1113, T replaced by C.
Protein change: p.Asn371=; no amino-acid change (asparagine 371 retained).
Molecular consequence: synonymous variant.
Genome position (GRCh38, 1-based): chr2:108,008,682, T>C. VCF-style: chr2-108008682-T-C. GRCh37 (hg19) VCF-style: chr2-108625138-T-C.
Other names: c.1113T>C, p.Asn371= (NM_001305005.3); c.798T>C, p.Asn266= (NM_001305006.3); c.372T>C, p.Asn124= (NM_001305007.3).
Identifiers: ClinVar variation 4791061 (VCV004791061.1).